The following is an entry in ClinVar:

NM_000059.4(BRCA2):c.77C>G (p.Pro26Arg)

Gene: BRCA2 (BRCA2 DNA repair associated; plus strand). Cytogenetic location: 13q13.1.
Variant type: single nucleotide variant.
Coding change: c.77C>G on transcript NM_000059.4 (MANE Select); coding-DNA position 77, C replaced by G.
Protein change: p.Pro26Arg; replaces proline 26 with arginine.
Molecular consequence: missense variant.
Genome position (GRCh38, 1-based): chr13:32,319,086, C>G. VCF-style: chr13-32319086-C-G. GRCh37 (hg19) VCF-style: chr13-32893223-C-G.
Other names: short protein forms P26R.
Identifiers: ClinVar variation 1037114 (VCV001037114.12), dbSNP rs1566215668, ClinGen allele CA387754048.
Genomic context (GRCh38, chr13:32,319,086, plus strand): 5'-AAATTTGTCTGTCACTGGTTAAAACTAAGGTGGGATTTTTTTTTTAAATAGATTTAGGAC[C>G]AATAAGTCTTAATTGGTTTGAAGAACTTTCTTCAGAAGCTCCACCCTATAATTCTGAACC-3'
Protein context (NP_000050.3, residues 16-36): KTRCNKADLG[Pro26Arg]ISLNWFEELS

ClinVar aggregate classification (germline): Uncertain significance. Review status: criteria provided, multiple submitters, no conflicts (2 of 4 stars). 2 submissions from 2 submitters: Uncertain significance (2). Last evaluated 2024-11-20.

Conditions:
Hereditary cancer-predisposing syndrome. Also called: Neoplastic Syndromes, Hereditary; Hereditary Cancer Syndrome; Tumor predisposition; Hereditary neoplastic syndrome. Identifiers: Orphanet 140162, MedGen C0027672, MeSH D009386, MONDO:0015356.
Hereditary breast ovarian cancer syndrome. Also called: Hereditary breast and ovarian cancer syndrome; Hereditary breast and ovarian cancer syndrome (HBOC); BRCA1- and BRCA2-Associated Hereditary Breast and Ovarian Cancer; Hereditary breast and ovarian cancer; Hereditary breast and/or ovarian cancer syndrome; Breast and ovarian cancer. Identifiers: Orphanet 145, MedGen C0677776, MeSH D061325, MONDO:0003582. Disease mechanism: loss of function.

Allele frequency attached by ClinVar (database versions not stated): TOPMed below 0.00001; gnomAD 0.00001.
gnomAD v4.1: 1 of 1,612,100 alleles (0.000062%); highest among the groups gnomAD compares: Non-Finnish European, 0.000085%; no homozygotes.

Submissions (2):

Labcorp Genetics (formerly Invitae), Labcorp
Classification: Uncertain significance for Hereditary breast ovarian cancer syndrome. Last evaluated: 2024-11-20. Review status: criteria provided, single submitter. Criteria: Invitae Variant Classification Sherloc (09022015). Collection method: clinical testing. Allele origin: germline.
Comment: This sequence change replaces proline, which is neutral and non-polar, with arginine, which is basic and polar, at codon 26 of the BRCA2 protein (p.Pro26Arg). This variant is not present in population databases (gnomAD no frequency). This variant has not been reported in the literature in individuals affected with BRCA2-related conditions. ClinVar contains an entry for this variant (Variation ID: 1037114). Invitae Evidence Modeling of protein sequence and biophysical properties (such as structural, functional, and spatial information, amino acid conservation, physicochemical variation, residue mobility, and thermodynamic stability) indicates that this missense variant is not expected to disrupt BRCA2 protein function with a negative predictive value of 95%. In summary, the available evidence is currently insufficient to determine the role of this variant in disease. Therefore, it has been classified as a Variant of Uncertain Significance.

Ambry Genetics
Classification: Uncertain significance for Hereditary cancer-predisposing syndrome. Last evaluated: 2023-09-10. Review status: criteria provided, single submitter. Criteria: Ambry Variant Classification Scheme 2023. Collection method: clinical testing. Allele origin: germline.
Comment: The p.P26R variant (also known as c.77C>G), located in coding exon 2 of the BRCA2 gene, results from a C to G substitution at nucleotide position 77. The proline at codon 26 is replaced by arginine, an amino acid with dissimilar properties. This amino acid position is highly conserved in available vertebrate species. In addition, this alteration is predicted to be tolerated by in silico analysis. Since supporting evidence is limited at this time, the clinical significance of this alteration remains unclear.